The following is an entry in ClinVar:

NM_001048174.2(MUTYH):c.309G>C (p.Trp103Cys)

Gene: MUTYH (mutY DNA glycosylase; minus strand). Cytogenetic location: 1p34.1.
Variant type: single nucleotide variant.
Coding change: c.309G>C on transcript NM_001048174.2 (MANE Select); coding-DNA position 309, G replaced by C.
Protein change: p.Trp103Cys; replaces tryptophan 103 with cysteine.
Molecular consequence: missense variant. On other transcripts: non-coding transcript variant (1), intron variant (2).
Genome position (GRCh38, 1-based): chr1:45,333,166, C>G on the plus strand (G>C on the coding strand, the complement: MUTYH is on the minus strand). VCF-style: chr1-45333166-C-G. GRCh37 (hg19) VCF-style: chr1-45798838-C-G.
Other names: c.309G>C, p.Trp103Cys (NM_001048171.2, NM_001048173.2, NM_001293195.2); c.312G>C, p.Trp104Cys (NM_001048172.2); c.393G>C, p.Trp131Cys (NM_001128425.2); c.354G>C, p.Trp118Cys (NM_001293190.2); c.342G>C, p.Trp114Cys (NM_001293191.2); c.33G>C, p.Trp11Cys (NM_001293192.2, NM_001293196.2); c.384G>C, p.Trp128Cys (NM_012222.3); c.33+119G>C (NM_001350651.2, NM_001350650.2); short protein forms W103C, W104C, W131C, W118C, W114C, W11C, W128C.
Identifiers: ClinVar variation 862395 (VCV000862395.9), dbSNP rs587781295, ClinGen allele CA340136211.

ClinVar aggregate classification (germline): Uncertain significance (1 of 4 stars; one submission).

Conditions:
Familial adenomatous polyposis 2. Also called: MYH-associated polyposis; FAP type 2; MUTYH-related attenuated familial adenomatous polyposis; Adenomas, multiple colorectal; ADENOMAS, MULTIPLE COLORECTAL, AUTOSOMAL RECESSIVE; MUTYH Polyposis. Identifiers: Orphanet 220460, Orphanet 247798, MedGen C3272841, MONDO:0012041, OMIM 608456.

Allele frequency attached by ClinVar (database versions not stated): TOPMed 0.00001.

Submission:

Labcorp Genetics (formerly Invitae), Labcorp
Classification: Uncertain significance for Familial adenomatous polyposis 2. Last evaluated: 2020-12-04. Review status: criteria provided, single submitter. Criteria: Invitae Variant Classification Sherloc (09022015). Collection method: clinical testing. Allele origin: germline.
Comment: Algorithms developed to predict the effect of missense changes on protein structure and function (SIFT, PolyPhen-2, Align-GVGD) all suggest that this variant is likely to be disruptive, but these predictions have not been confirmed by published functional studies and their clinical significance is uncertain. This variant has not been reported in the literature in individuals with MUTYH-related conditions. ClinVar contains an entry for this variant (Variation ID: 862395). This variant is not present in population databases (ExAC no frequency). This sequence change replaces tryptophan with cysteine at codon 131 of the MUTYH protein (p.Trp131Cys). The tryptophan residue is highly conserved and there is a large physicochemical difference between tryptophan and cysteine. Algorithms developed to predict the effect of sequence changes on RNA splicing suggest that this variant is not likely to affect RNA splicing, but this prediction has not been confirmed by published transcriptional studies. In summary, the available evidence is currently insufficient to determine the role of this variant in disease. Therefore, it has been classified as a Variant of Uncertain Significance. This variant disrupts the p.Trp131 amino acid residue in MUTYH. Other variant(s) that disrupt this residue have been determined to be pathogenic (PMID: 12853198, 19394335, 19732775, 26681312, 25820570). This suggests that this residue is clinically significant, and that variants that disrupt this residue are likely to be disease-causing.

Literature cited by the submitters: PubMed 12853198; PubMed 19394335; PubMed 19732775; PubMed 26681312; PubMed 25820570.